The following is an entry in ClinVar:

NM_001267550.2(TTN):c.104413C>T (p.Arg34805Ter)

Genes: TTN (titin; minus strand), TTN-AS1 (TTN antisense RNA 1; plus strand). Cytogenetic location: 2q31.2.
Variant type: single nucleotide variant.
Coding change: c.104413C>T on transcript NM_001267550.2 (MANE Select); coding-DNA position 104413, C replaced by T.
Protein change: p.Arg34805Ter; replaces arginine 34805 with a stop codon.
Molecular consequence: nonsense.
Genome position (GRCh38, 1-based): chr2:178,532,202, G>A on the plus strand (C>T on the coding strand, the complement: TTN is on the minus strand). VCF-style: chr2-178532202-G-A. GRCh37 (hg19) VCF-style: chr2-179396929-G-A.
Other names: c.99490C>T, p.Arg33164Ter (NM_001256850.1); c.77218C>T, p.Arg25740Ter (NM_003319.4); c.96709C>T, p.Arg32237Ter (NM_133378.4); c.77593C>T, p.Arg25865Ter (NM_133432.3); c.77794C>T, p.Arg25932Ter (NM_133437.4); c.104413C>T (NM_001267550.1); short protein forms R32237*, R34805*, R25932*, R33164*, R25740*, R25865*.
Identifiers: ClinVar variation 290707 (VCV000290707.62), dbSNP rs750519430, ClinGen allele CA1985430.

ClinVar aggregate classification (germline): Pathogenic/Likely pathogenic. Review status: criteria provided, multiple submitters, no conflicts (2 of 4 stars). 11 submissions from 11 submitters: Pathogenic (6); Likely pathogenic (5). Last evaluated 2026-03-31.

Conditions:
Autosomal recessive titinopathy. Identifiers: MedGen CN315649, MONDO:0100493.
TTN-related disorder. Also called: TTN-related disorders; TTN-related condition; TTN-related disease.
Cardiovascular phenotype. Identifiers: MedGen CN230736.
Autosomal recessive limb-girdle muscular dystrophy type 2J (LGMDR10). Also called: MUSCULAR DYSTROPHY, LIMB-GIRDLE, AUTOSOMAL RECESSIVE 10; Limb-girdle muscular dystrophy, type 2J. Identifiers: Orphanet 140922, MedGen C1837342, MONDO:0012127, OMIM 608807.
Dilated cardiomyopathy 1G (CMD1G). Identifiers: Orphanet 154, MedGen C1858763, MONDO:0011400, OMIM 604145.
Primary dilated cardiomyopathy (DCM). Also called: Dilated Cardiomyopathy. Identifiers: Orphanet 217604, MedGen C0007193, MeSH D002311, MONDO:0005021, HP:0001644. Inheritance: Various modes of inheritance.

Allele frequency attached by ClinVar (database versions not stated): gnomAD exomes below 0.00001 and 0.00001; ExAC 0.00001.
gnomAD v4.1: 6 of 1,613,260 alleles (0.00037%); highest among the groups gnomAD compares: Non-Finnish European, 0.00051%; no homozygotes.

Submissions 1 to 5 of 11:

PreventionGenetics, part of Exact Sciences
Classification: Pathogenic for TTN-related condition. Last evaluated: 2026-03-31. Review status: criteria provided, single submitter. Criteria: ACMG Guidelines, 2015. Collection method: clinical testing. Allele origin: germline.
Comment: The TTN c.104413C>T variant is predicted to result in premature protein termination (p.Arg34805*). This variant, also referred to as c.96709C>T, p.Arg32237* (NM_133378.4) in the literature, has been reported in at least two individuals with dilated cardiomyopathy (DCM) (Supplemental Data, Marschall et al. 2019. PubMed ID: 31737537; Tseng et al. 2025. PubMed ID: 39708038). It has also been reported in the compound heterozygous state in at least three individuals with severe congenital titinopathies including hypotonia, respiratory failure, intrauterine growth restriction (IUGR), and joint displacement/contractures (Di et al. 2023. PubMed ID: 36977548; Table S1, Gabriel et al. 2021. PubMed ID: 34958143; Table S1, Laquerriere et al. 2021. PubMed ID: 33820833). This variant is reported in 0.0018% of alleles in individuals of European (non-Finnish) descent in gnomAD and is interpreted as pathogenic/likely pathogenic in ClinVar (Variation ID: 290707). This variant occurs in the M-band region of the TTN protein. Exons 359-364 (Mex1-Mex6) have historically been found to harbor a significant number of pathogenic variants for TTN-related autosomal dominant and recessive muscle disorders (Hackman et al. 2002. PubMed ID: 12145747; Evilä et al. 2014. PubMed ID: 24395473). RNAseq studies from heart tissue indicate this exon is commonly expressed in TTN mRNA transcripts (PSI of 100%, Roberts et al. 2015. PubMed ID: 25589632). TTN loss-of-function variants occurring in constitutively expressed exons (PSI > 90%) are more likely to be disease causing for TTN cardiac-related disorders regardless of band location (Roberts et al. 2015. PubMed ID: 25589632; Schafer et al. 2017. PubMed ID: 27869827; Akhtar et al. 2020. PubMed ID: 32964742). Many cases of recessive TTN-related myopathies in which the individual is compound heterozygous for two loss-of-function variants in TTN have also been reported (Ge et al. 2019. PubMed ID: 31053406; Oates et al. 2018. PubMed ID: 29691892; Rees et al. 2021. PubMed ID: 33449170). In summary, this variant is categorized as pathogenic. Of note, this variant is considered pathogenic for increased risk of TTN-related cardiac disorders, and also for autosomal recessive TTN-related congenital titinopathies.

Clinical Genetics Laboratory, Skane University Hospital Lund
Classification: Pathogenic for Primary dilated cardiomyopathy. Last evaluated: 2026-03-17. Review status: criteria provided, single submitter. Criteria: ACMG Guidelines, 2015. Collection method: clinical testing. Allele origin: germline. Affected: yes.
Comment: PVS1, PS4_supporting, PM2, PP4_moderate

Victorian Clinical Genetics Services, Murdoch Childrens Research Institute
Classification: Pathogenic for Autosomal recessive titinopathy. Last evaluated: 2026-02-02. Review status: criteria provided, single submitter. Criteria: ACMG Guidelines, 2015. Collection method: clinical testing. Allele origin: germline.
Comment: This variant is classified as Pathogenic. Evidence in support of pathogenic classification: Variant is predicted to cause nonsense-mediated decay (NMD) and loss of protein (premature termination codon is located at least 54 nucleotides upstream of the final exon-exon junction); Variant is present in gnomAD <0.01 (v4: 6 heterozygote(s), 0 homozygote(s)) ; This variant has strong previous evidence of pathogenicity in unrelated individuals. This variant has been classified as pathogenic or likely pathogenic by multiple clinical laboratories in ClinVar. It has also been reported in the literature in an assumed compound heterozygous individual with early onset distal myopathy and in a compound heterozygous fetus with joint displacement and other fetal anomalies (PMIDs: 28214268, 34958143); Other NMD-predicted variants comparable to the one identified in this case have strong previous evidence for pathogenicity (ClinVar). Additional information: This variant is heterozygous; This gene is associated with both recessive and dominant disease (OMIM); No published functional evidence has been identified for this variant; Variant is located in the annotated M-band and the exon has a PSI score of 100% (PMID: 25589632); Loss of function is a known mechanism of disease in this gene. In addition, dominant negative is also a suggested mechanism. (PMID: 25589632); The condition associated with this gene has incomplete penetrance. Variants in this gene that result in a premature termination codon (PTC) are known to have reduced penetrance in DCM (PMID: 25589632).

Dasa
Classification: Likely pathogenic. Last evaluated: 2025-11-06. Review status: criteria provided, single submitter. Criteria: DASA Assertion Criteria. Collection method: clinical testing. Allele origin: germline.
Comment: NM_001267550.2(TTN):c.104413C>T (p.Arg34805*) is a nonsense variant in TTN predicted to introduce a premature termination codon and is predicted to result in an absent or altered protein product. Loss of function is an established disease mechanism for TTN-associated disorders. Published studies describe this variant in association with related phenotype (PMID: 39968638). Also, this variant is rare in population databases. Based on the currently available evidence, this variant is classified as likely pathogenic.

Labcorp Genetics (formerly Invitae), Labcorp
Classification: Pathogenic for Dilated cardiomyopathy 1G; Autosomal recessive limb-girdle muscular dystrophy type 2J. Last evaluated: 2025-07-04. Review status: criteria provided, single submitter. Criteria: Invitae Variant Classification Sherloc (09022015). Collection method: clinical testing. Allele origin: germline.
Comment: This sequence change creates a premature translational stop signal (p.Arg34805*) in the TTN gene. While this is not anticipated to result in nonsense mediated decay, it is expected to create a truncated TTN protein. This variant is present in population databases (rs750519430, gnomAD 0.002%). This premature translational stop signal has been observed in individual(s) with centronuclear myopathy, dilated cardiomyopathy and clinical features of TTN-related conditions (PMID: 31737537, 33820833, 34958143, 36264615, 36977548). In at least one individual the data is consistent with being in trans (on the opposite chromosome) from a pathogenic variant. It has also been observed to segregate with disease in related individuals. ClinVar contains an entry for this variant (Variation ID: 290707). This variant is located in the M band of TTN (PMID: 25589632). Truncating variants in this region have been previously reported in individuals affected with autosomal dominant or autosomal recessive myopathy and muscular dystrophy (PMID: 18948003, 23975875, 24395473). Truncating variants in this region have also been identified in individuals affected with autosomal dominant dilated cardiomyopathy and/or cardio-related conditions (PMID: 27869827, 32964742, internal data). For these reasons, this variant has been classified as Pathogenic.